The following is an entry in ClinVar:

ClinVar aggregate classification (germline): Pathogenic (1 of 4 stars; one submission).

Submission:

Labcorp Genetics (formerly Invitae), Labcorp
Classification: Pathogenic. Last evaluated: 2021-08-05. Review status: criteria provided, single submitter. Criteria: Invitae Variant Classification Sherloc (09022015). Collection method: clinical testing. Allele origin: germline.
Comment: This sequence change replaces glycine with valine at codon 388 of the NSD1 protein (p.Gly388Val). The glycine residue is moderately conserved and there is a moderate physicochemical difference between glycine and valine. This variant is not present in population databases (ExAC no frequency). This variant has been observed in individual(s) with clinical features of Sotos syndrome (Invitae). In at least one individual the variant was observed to be de novo. Advanced modeling of protein sequence and biophysical properties (such as structural, functional, and spatial information, amino acid conservation, physicochemical variation, residue mobility, and thermodynamic stability) performed at Invitae indicates that this missense variant is expected to disrupt NSD1 protein function. For these reasons, this variant has been classified as Pathogenic.

NM_022455.5(NSD1):c.1163G>T (p.Gly388Val)

Gene: NSD1 (nuclear receptor binding SET domain protein 1; plus strand). Cytogenetic location: 5q35.3.
Variant type: single nucleotide variant.
Coding change: c.1163G>T on transcript NM_022455.5 (MANE Select); coding-DNA position 1163, G replaced by T.
Protein change: p.Gly388Val; replaces glycine 388 with valine.
Molecular consequence: missense variant.
Genome position (GRCh38, 1-based): chr5:177,204,219, G>T. VCF-style: chr5-177204219-G-T. GRCh37 (hg19) VCF-style: chr5-176631220-G-T.
Other names: c.290G>T, p.Gly97Val (NM_001365684.2, NM_001409306.1, NM_001409307.1 and 3 more transcripts); c.1163G>T, p.Gly388Val (NM_001409301.1, NM_001409302.1, NM_001409303.1); c.743G>T, p.Gly248Val (NM_001409304.1); c.410G>T, p.Gly137Val (NM_001409305.1); short protein forms G119V, G388V, G97V, G248V, G137V.
Identifiers: ClinVar variation 1452878 (VCV001452878.8), dbSNP rs2149836269, ClinGen allele CA362304860.